The following is an entry in ClinVar:

ClinVar aggregate classification (germline): Uncertain significance (1 of 4 stars; one submission).

Submission:

GeneDx
Classification: Uncertain significance. Last evaluated: 2023-05-23. Review status: criteria provided, single submitter. Criteria: GeneDx Variant Classification Process June 2021. Collection method: clinical testing. Allele origin: germline. Affected: yes.
Comment: Not observed at significant frequency in large population cohorts (gnomAD); In-frame insertion of 2 amino acids in a repetitive region with no known function; Has not been previously published as pathogenic or benign to our knowledge

NM_003070.5(SMARCA2):c.677_678insACAGCA (p.Gln238_Pro239insGlnGln)

Gene: SMARCA2 (SWI/SNF related BAF chromatin remodeling complex subunit ATPase 2; plus strand). Cytogenetic location: 9p24.3.
Variant type: Insertion.
Coding change: c.677_678insACAGCA on transcript NM_003070.5 (MANE Select); coding-DNA positions 677 to 678, ACAGCA inserted.
Protein change: p.Gln238_Pro239insGlnGln.
Molecular consequence: inframe insertion. On other transcripts: inframe indel (1).
Genome position: GRCh38 VCF-style: chr9-2039782-G-GCAGCAA. GRCh37 (hg19) VCF-style: chr9-2039782-G-GCAGCAA.
Other names: c.677_678insACAGCA, p.Gln238_Pro239insGlnGln (NM_001289396.2, NM_001289397.2, NM_139045.4).
Identifiers: ClinVar variation 2501402 (VCV002501402.2), dbSNP rs1819507898, ClinGen allele CA1827898680.